The following is an entry in ClinVar:

ClinVar aggregate classification (germline): Likely benign (1 of 4 stars; one submission).

Conditions:
FOXL2-related disorder. Also called: FOXL2-related condition.

gnomAD v4.1: 19 of 1,613,566 alleles (0.0012%); highest among the groups gnomAD compares: African/African-American, 0.017%; no homozygotes.

Submission:

PreventionGenetics, part of Exact Sciences
Classification: Likely benign for FOXL2-related condition. Last evaluated: 2024-11-16. Review status: criteria provided, single submitter. Criteria: ACMG Guidelines, 2015. Collection method: clinical testing. Allele origin: germline.
Comment: This variant is classified as likely benign based on ACMG/AMP sequence variant interpretation guidelines (Richards et al. 2015 PMID: 25741868, with internal and published modifications).

NM_023067.4(FOXL2):c.408C>T (p.Asp136=)

Gene: FOXL2 (forkhead box L2; minus strand). Cytogenetic location: 3q22.3.
Variant type: single nucleotide variant.
Coding change: c.408C>T on transcript NM_023067.4 (MANE Select); coding-DNA position 408, C replaced by T.
Protein change: p.Asp136=; no amino-acid change (aspartic acid 136 retained).
Molecular consequence: synonymous variant.
Genome position (GRCh38, 1-based): chr3:138,946,315, G>A on the plus strand (C>T on the coding strand, the complement: FOXL2 is on the minus strand). VCF-style: chr3-138946315-G-A. GRCh37 (hg19) VCF-style: chr3-138665157-G-A.
Identifiers: ClinVar variation 4981761 (VCV004981761.1).